The following is an entry in ClinVar:

NM_002439.5(MSH3):c.2837A>G (p.Tyr946Cys)

Gene: MSH3 (mutS homolog 3; plus strand). Cytogenetic location: 5q14.1.
Variant type: single nucleotide variant.
Coding change: c.2837A>G on transcript NM_002439.5 (MANE Select); coding-DNA position 2837, A replaced by G.
Protein change: p.Tyr946Cys; replaces tyrosine 946 with cysteine.
Molecular consequence: missense variant.
Genome position (GRCh38, 1-based): chr5:80,854,153, A>G. VCF-style: chr5-80854153-A-G. GRCh37 (hg19) VCF-style: chr5-80149972-A-G.
Other names: c.2837A>G (NM_002439.3); short protein forms Y946C.
Identifiers: ClinVar variation 935866 (VCV000935866.10), dbSNP rs763523970, ClinGen allele CA121338430.

ClinVar aggregate classification (germline): Uncertain significance. Review status: criteria provided, multiple submitters, no conflicts (2 of 4 stars). 2 submissions from 2 submitters: Uncertain significance (2). Last evaluated 2024-07-24.

Conditions:
Hereditary cancer-predisposing syndrome. Also called: Tumor predisposition; Hereditary neoplastic syndrome; Hereditary Cancer Syndrome; Neoplastic Syndromes, Hereditary. Identifiers: Orphanet 140162, MedGen C0027672, MeSH D009386, MONDO:0015356.

gnomAD v4.1: 2 of 1,613,704 alleles (0.00012%); highest among the groups gnomAD compares: East Asian, 0.0022%; no homozygotes.

Submissions (2):

Ambry Genetics
Classification: Uncertain significance for Hereditary cancer-predisposing syndrome. Last evaluated: 2024-07-24. Review status: criteria provided, single submitter. Criteria: Ambry Variant Classification Scheme 2023. Collection method: clinical testing. Allele origin: germline.
Comment: The p.Y946C variant (also known as c.2837A>G), located in coding exon 21 of the MSH3 gene, results from an A to G substitution at nucleotide position 2837. The tyrosine at codon 946 is replaced by cysteine, an amino acid with highly dissimilar properties. This amino acid position is conserved. In addition, this alteration is predicted to be tolerated by in silico analysis. Based on the available evidence, the clinical significance of this variant remains unclear.

Labcorp Genetics (formerly Invitae), Labcorp
Classification: Uncertain significance. Last evaluated: 2024-02-06. Review status: criteria provided, single submitter. Criteria: Invitae Variant Classification Sherloc (09022015). Collection method: clinical testing. Allele origin: germline.
Comment: This sequence change replaces tyrosine, which is neutral and polar, with cysteine, which is neutral and slightly polar, at codon 946 of the MSH3 protein (p.Tyr946Cys). This variant is present in population databases (rs763523970, gnomAD 0.006%). This variant has not been reported in the literature in individuals affected with MSH3-related conditions. ClinVar contains an entry for this variant (Variation ID: 935866). Algorithms developed to predict the effect of missense changes on protein structure and function output the following: SIFT: "Not Available"; PolyPhen-2: "Benign"; Align-GVGD: "Not Available". The cysteine amino acid residue is found in multiple mammalian species, which suggests that this missense change does not adversely affect protein function. In summary, the available evidence is currently insufficient to determine the role of this variant in disease. Therefore, it has been classified as a Variant of Uncertain Significance.